The following is an entry in ClinVar:

NM_001256627.2(BRSK2):c.1987_1987+2del

Gene: BRSK2 (BR serine/threonine kinase 2; plus strand). Cytogenetic location: 11p15.5.
Variant type: Deletion.
Coding change: c.1987_1987+2del on transcript NM_001256627.2 (MANE Select); coding-DNA position 1987 through the canonical splice donor site of the intron after coding-DNA position 1987, 3 bases deleted (GGT; older notation c.1987_1987+2delGGT).
Molecular consequence: splice donor variant. On other transcripts: intron variant (5).
Genome position (GRCh38, 1-based): chr11:1,459,239-1,459,241, GGT deleted; deleting any 3 consecutive bases within chr11:1,459,237-1,459,241 gives the same sequence; the c. name uses the placement nearest the transcript's 3' end. VCF-style (leftmost placement, unchanged base first): chr11-1459236-TGTG-T. GRCh37 (hg19) VCF-style: chr11-1480466-TGTG-T.
Other names: c.2419_2419+2del (NM_001440665.1); c.2053_2053+2del (NM_001440668.1); c.2006-1731_2006-1729del (NM_001440670.1); c.2353_2353+2del (NM_001440666.1); c.*10-1731_*10-1729del (NM_001256629.2, NM_001282218.2); c.1987_1987+2del (NM_003957.4); c.1807_1807+2del (NM_001440674.1, NM_001440669.1, NM_001440673.1 and 1 more transcripts); c.1873_1873+2del (NM_001440671.1); and 3 more.
Identifiers: ClinVar variation 4849547 (VCV004849547.1).
Genomic context (GRCh38, chr11:1,459,236, plus strand): 5'-CCATTCTGTACTCCAGACACCACTAACTGTATGGAAATGATGACGGGGCGGCTTTCCAAA[TGTG>T]GTAAGAATCCCCCACGCTCACCTGGCACCTCCACCTGCCACTTCACCGCTCACCCTCAGC-3'

ClinVar aggregate classification (germline): Uncertain significance (1 of 4 stars; one submission).

Conditions:
Autosomal dominant non-syndromic intellectual disability. Identifiers: Orphanet 178469, MedGen C5680502, MONDO:0015802.

Submission:

Department of Human Genetics, University Hospital Bern, Inselspital
Classification: Uncertain significance for Autosomal dominant non-syndromic intellectual disability. Last evaluated: 2026-05-03. Review status: criteria provided, single submitter. Criteria: ACMG Guidelines, 2015. Collection method: clinical testing. Allele origin: inherited. Affected: yes.
Comment: The variant affects a canonical splice site of the pen-ultimate exon likely to escape nonsense-mediated mRNA decay. The variant was identified in 2 unrelated individuals in the same study (1x inherited) and is reported 2x in gnomAD v4.1.0. In summary, criterion PVS1_moderate was used.

Literature cited by the submitters: PubMed 42509346.